The following is an entry in ClinVar:

ClinVar aggregate classification (germline): Uncertain significance. Review status: criteria provided, multiple submitters, no conflicts (2 of 4 stars). 2 submissions from 2 submitters: Uncertain significance (2). Last evaluated 2021-04-17.

Conditions:
Hereditary cancer-predisposing syndrome. Also called: Tumor predisposition; Hereditary Cancer Syndrome; Hereditary neoplastic syndrome; Neoplastic Syndromes, Hereditary. Identifiers: Orphanet 140162, MedGen C0027672, MeSH D009386, MONDO:0015356.
Microcephaly, normal intelligence and immunodeficiency (NBS). Also called: IMMUNODEFICIENCY, MICROCEPHALY, AND CHROMOSOMAL INSTABILITY; SEEMANOVA SYNDROME II; Nijmegen breakage syndrome; Microcephaly with normal intelligence immunodeficiency and lymphoreticular malignancies; Nonsyndromal microcephaly autosomal recessive with normal intelligence; Seemanova syndrome 2. Identifiers: Orphanet 647, MedGen C0398791, MONDO:0009623, OMIM 251260.

Submissions (2):

Labcorp Genetics (formerly Invitae), Labcorp
Classification: Uncertain significance for Microcephaly, normal intelligence and immunodeficiency. Last evaluated: 2021-04-17. Review status: criteria provided, single submitter. Criteria: Invitae Variant Classification Sherloc (09022015). Collection method: clinical testing. Allele origin: germline.
Comment: This variant is not present in population databases (ExAC no frequency). This variant has not been reported in the literature in individuals with NBN-related conditions. ClinVar contains an entry for this variant (Variation ID: 185245). Algorithms developed to predict the effect of missense changes on protein structure and function are either unavailable or do not agree on the potential impact of this missense change (SIFT: "Tolerated"; PolyPhen-2: "Probably Damaging"; Align-GVGD: "Class C0"). Algorithms developed to predict the effect of sequence changes on RNA splicing suggest that this variant may create or strengthen a splice site, but this prediction has not been confirmed by published transcriptional studies. In summary, the available evidence is currently insufficient to determine the role of this variant in disease. Therefore, it has been classified as a Variant of Uncertain Significance. This sequence change replaces lysine with arginine at codon 479 of the NBN protein (p.Lys479Arg). The lysine residue is moderately conserved and there is a small physicochemical difference between lysine and arginine.

Ambry Genetics
Classification: Uncertain significance for Hereditary cancer-predisposing syndrome. Last evaluated: 2014-07-01. Review status: criteria provided, single submitter. Criteria: Ambry Variant Classification Scheme 2023. Collection method: clinical testing. Allele origin: germline.
Comment: The p.K479R variant (also known as c.1436A>G), located in coding exon 11 of the NBN gene, results from an A to G substitution at nucleotide position 1436. The lysine at codon 479 is replaced by arginine, an amino acid with highly similar properties. This variant was not reported in population based cohorts in the following databases: Database of Single Nucleotide Polymorphisms (dbSNP), NHLBI Exome Sequencing Project (ESP), and 1000 Genomes Project. To date, this alteration has been detected with an allele frequency of approximately 0.006% (greater than 15000 alleles tested) in our clinical cohort (includes this individual). This amino acid position is highly conserved in available vertebrate species. In addition, this alteration is predicted to be probably damaging and tolerated by PolyPhen and SIFT in silico analyses, respectively. Since supporting evidence is limited at this time, the clinical significance of p.K479R remains unclear.

NM_002485.5(NBN):c.1436A>G (p.Lys479Arg)

Gene: NBN (nibrin; minus strand). Cytogenetic location: 8q21.3.
Variant type: single nucleotide variant.
Coding change: c.1436A>G on transcript NM_002485.5 (MANE Select); coding-DNA position 1436, A replaced by G.
Protein change: p.Lys479Arg; replaces lysine 479 with arginine.
Molecular consequence: missense variant.
Genome position (GRCh38, 1-based): chr8:89,953,653, T>C on the plus strand (A>G on the coding strand, the complement: NBN is on the minus strand). VCF-style: chr8-89953653-T-C. GRCh37 (hg19) VCF-style: chr8-90965881-T-C.
Other names: c.1190A>G, p.Lys397Arg (NM_001024688.3); short protein forms K479R, K397R.
Identifiers: ClinVar variation 185245 (VCV000185245.13), dbSNP rs786202028, ClinGen allele CA191434.